The following is an entry in ClinVar:

NM_000089.4(COL1A2):c.2565+65A>G

Gene: COL1A2 (collagen type I alpha 2 chain; plus strand). Cytogenetic location: 7q21.3.
Variant type: single nucleotide variant.
Coding change: c.2565+65A>G on transcript NM_000089.4 (MANE Select); 65 bases into the intron after coding-DNA position 2565, A replaced by G.
Molecular consequence: intron variant.
Genome position (GRCh38, 1-based): chr7:94,423,183, A>G. VCF-style: chr7-94423183-A-G. GRCh37 (hg19) VCF-style: chr7-94052495-A-G.
Identifiers: ClinVar variation 674831 (VCV000674831.2), dbSNP rs42530, ClinGen allele CA15496498.

ClinVar aggregate classification (germline): Benign. Review status: criteria provided, multiple submitters, no conflicts (2 of 4 stars). 2 submissions from 2 submitters: Benign (2). Last evaluated 2018-06-18.

Allele frequency attached by ClinVar (database versions not stated): 1000 Genomes Project 30x 0.20643; 1000 Genomes Project 0.21466; TOPMed 0.22057; gnomAD 0.23350 and 0.23709; gnomAD exomes 0.29956.
gnomAD v4.1: 461,808 of 1,577,000 alleles (29%); highest among the groups gnomAD compares: Non-Finnish European, 31%; 70,474 homozygotes.

Submissions (2):

GeneDx
Classification: Benign. Last evaluated: 2018-06-18. Review status: criteria provided, single submitter. Criteria: GeneDx Variant Classification (06012015). Collection method: clinical testing. Allele origin: germline. Affected: yes.
Comment: This variant is considered likely benign or benign based on one or more of the following criteria: it is a conservative change, it occurs at a poorly conserved position in the protein, it is predicted to be benign by multiple in silico algorithms, and/or has population frequency not consistent with disease.

Breakthrough Genomics
Classification: Benign. Review status: criteria provided, single submitter. Criteria: ACMG Guidelines, 2015. Collection method: not provided. Allele origin: germline. Inheritance: Autosomal recessive inheritance. Affected: yes.